The following is an entry in ClinVar:

ClinVar aggregate classification (germline): Benign/Likely benign. Review status: criteria provided, multiple submitters, no conflicts (2 of 4 stars). 9 submissions from 9 submitters: Benign (6); Likely benign (2). 1 of the submissions does not count toward it. Last evaluated 2026-10-01.

Conditions:
DIAPH1-related disorder. Also called: DIAPH1-related condition.
Autosomal dominant nonsyndromic hearing loss 1. Also called: DEAFNESS, AUTOSOMAL DOMINANT 1, WITH OR WITHOUT THROMBOCYTOPENIA; KONIGSMARK SYNDROME. Identifiers: Orphanet 90635, MedGen C1852282, MONDO:0007424, OMIM 124900.
Progressive microcephaly-seizures-cortical blindness-developmental delay syndrome. Also called: Seizures, cortical blindness, and microcephaly syndrome. Identifiers: Orphanet 477814, MedGen C5567650, MONDO:0014714, OMIM 616632.

Allele frequency attached by ClinVar (database versions not stated): gnomAD exomes 0.00099 and 0.00032; ExAC 0.00122; gnomAD 0.00329 and 0.00354; ESP Exome Variant Server 0.00341; TOPMed 0.00411; 1000 Genomes Project 30x 0.00562; 1000 Genomes Project 0.00599.
gnomAD v4.1: 1,014 of 1,614,162 alleles (0.063%); highest among the groups gnomAD compares: African/African-American, 1.2%; 7 homozygotes.

Submissions (9):

CeGaT Center for Human Genetics Tuebingen
Classification: Likely benign. Last evaluated: 2026-10-01. Review status: criteria provided, single submitter. Criteria: CeGaT Center For Human Genetics Tuebingen Variant Classification Criteria Version 2. Collection method: clinical testing. Allele origin: germline. Affected: yes. Observed: 2 variant alleles.
Comment: DIAPH1: BP4, BP7, BS1

Labcorp Genetics (formerly Invitae), Labcorp
Classification: Benign for Progressive microcephaly-seizures-cortical blindness-developmental delay syndrome; Autosomal dominant nonsyndromic hearing loss 1. Last evaluated: 2026-01-28. Review status: criteria provided, single submitter. Criteria: Invitae Variant Classification Sherloc (09022015). Collection method: clinical testing. Allele origin: germline.

Mayo Clinic Laboratories, Mayo Clinic
Classification: Benign. Last evaluated: 2025-01-15. Review status: criteria provided, single submitter. Criteria: ACMG Guidelines, 2015. Collection method: clinical testing. Allele origin: germline. Observed: 5 variant alleles.
Comment: BS1, BS2, BP4, BP7

Blueprint Genetics
Classification: Likely benign. Last evaluated: 2024-11-13. Review status: criteria provided, single submitter. Criteria: ACMG Guidelines, 2015. Collection method: clinical testing. Allele origin: germline.

ARUP Laboratories, Molecular Genetics and Genomics, ARUP Laboratories
Classification: Benign. Last evaluated: 2024-06-06. Review status: criteria provided, single submitter. Criteria: ARUP Molecular Germline Variant Investigation Process 2024. Collection method: clinical testing. Allele origin: germline.

Athena Diagnostics
Classification: Benign. Last evaluated: 2020-07-09. Review status: criteria provided, single submitter. Criteria: Athena Diagnostics Criteria. Collection method: clinical testing. Allele origin: unknown.

GeneDx
Classification: Benign. Last evaluated: 2020-03-19. Review status: criteria provided, single submitter. Criteria: GeneDx Variant Classification Process June 2021. Collection method: clinical testing. Allele origin: germline. Affected: yes.

Laboratory for Molecular Medicine, Mass General Brigham Personalized Medicine
Classification: Benign. Last evaluated: 2012-05-07. Review status: criteria provided, single submitter. Criteria: LMM Criteria. Collection method: clinical testing. Allele origin: germline. Observed: 1 variant allele.
Comment: "Pro297Pro in Exon 09 of DIAPH1: This variant is not expected to have clinical s ignificance because it does not alter an amino acid residue, is not located with in the splice consensus sequence, and has been identified in 1.1% (35/3096) of A frican American chromosomes from a broad population by the NHLBI Exome Sequencin g Project (dbSNP rs116463365)."

PreventionGenetics, part of Exact Sciences
Classification: Benign for DIAPH1-related condition. Last evaluated: 2019-08-01. Review status: no assertion criteria provided. Collection method: clinical testing. Allele origin: germline. Not counted in ClinVar's aggregate classification.
Comment: This variant is classified as benign based on ACMG/AMP sequence variant interpretation guidelines (Richards et al. 2015 PMID: 25741868, with internal and published modifications).

NM_005219.5(DIAPH1):c.891G>A (p.Pro297=)

Gene: DIAPH1 (diaphanous related formin 1; minus strand). Cytogenetic location: 5q31.3.
Variant type: single nucleotide variant.
Coding change: c.891G>A on transcript NM_005219.5 (MANE Select); coding-DNA position 891, G replaced by A.
Protein change: p.Pro297=; no amino-acid change (proline 297 retained).
Molecular consequence: synonymous variant.
Genome position (GRCh38, 1-based): chr5:141,579,130, C>T on the plus strand (G>A on the coding strand, the complement: DIAPH1 is on the minus strand). VCF-style: chr5-141579130-C-T. GRCh37 (hg19) VCF-style: chr5-140958697-C-T.
Other names: p.Pro297=; c.864G>A, p.Pro288= (NM_001079812.3); c.891G>A, p.Pro297= (NM_001314007.2).
Identifiers: ClinVar variation 178605 (VCV000178605.29), dbSNP rs116463365, ClinGen allele CA182642.